The following is an entry in ClinVar:

ClinVar aggregate classification (germline): Uncertain significance (1 of 4 stars; one submission).

Conditions:
Long QT syndrome (LQTS). Identifiers: MedGen C0023976, MeSH D008133, MONDO:0002442. Disease mechanism: loss of function. Inheritance: Various modes of inheritance.

Submission:

Labcorp Genetics (formerly Invitae), Labcorp
Classification: Uncertain significance for Long QT syndrome. Last evaluated: 2026-01-07. Review status: criteria provided, single submitter. Criteria: Invitae Variant Classification Sherloc (09022015). Collection method: clinical testing. Allele origin: germline.
Comment: This variant, c.2385_2387dup, results in the insertion of 1 amino acid(s) of the KCNH2 protein (p.Val796dup), but otherwise preserves the integrity of the reading frame. This variant is not present in population databases (gnomAD no frequency). This variant has not been reported in the literature in individuals affected with KCNH2-related conditions. In summary, the available evidence is currently insufficient to determine the role of this variant in disease. Therefore, it has been classified as a Variant of Uncertain Significance.

NM_000238.4(KCNH2):c.2379CGT[4] (p.Val796_Ala797insVal)

Gene: KCNH2 (potassium voltage-gated channel subfamily H member 2; minus strand). Cytogenetic location: 7q36.1.
Variant type: Microsatellite.
Coding change: c.2379CGT[4] on transcript NM_000238.4 (MANE Select); four copies in a row of the 3-base unit CGT starting at c.2379; the reference has three copies in a row; one copy, 3 bases duplicated.
Protein change: p.Val796_Ala797insVal.
Molecular consequence: inframe insertion. On other transcripts: non-coding transcript variant (2).
Genome position (GRCh38, 1-based): chr7:150,950,179-150,950,181, ACG duplicated on the plus strand (CGT on the coding strand, the reverse complement: KCNH2 is on the minus strand); duplicating any 3 consecutive bases within chr7:150,950,179-150,950,187 gives the same sequence; the position shown is the placement nearest the transcript's 3' end. VCF-style (leftmost placement, unchanged base first): chr7-150950178-C-CACG. GRCh37 (hg19) VCF-style: chr7-150647266-C-CACG.
Other names: c.1359CGT[4], p.Val456_Ala457insVal (NM_001204798.2, NM_172057.3); c.2091CGT[4], p.Val700_Ala701insVal (NM_001406753.1, NM_001406756.1); c.2202CGT[4], p.Val737_Ala738insVal (NM_001406755.1); c.2079CGT[4], p.Val696_Ala697insVal (NM_001406757.1); c.2379CGT[4], p.Val796_Ala797insVal (NM_172056.3).
Identifiers: ClinVar variation 4734865 (VCV004734865.1).